The following is an entry in ClinVar:

ClinVar aggregate classification (germline): Likely benign. Review status: criteria provided, multiple submitters, no conflicts (2 of 4 stars). 2 submissions from 2 submitters: Likely benign (2). Last evaluated 2025-03-08.

Conditions:
FLG-related disorder. Also called: FLG-related disorders; FLG-related condition.

gnomAD v4.1: 730 of 1,611,888 alleles (0.045%); highest among the groups gnomAD compares: Non-Finnish European, 0.057%; no homozygotes.

Submissions (2):

PreventionGenetics, part of Exact Sciences
Classification: Likely benign for FLG-related condition. Last evaluated: 2025-03-08. Review status: criteria provided, single submitter. Criteria: ACMG Guidelines, 2015. Collection method: clinical testing. Allele origin: germline.
Comment: This variant is classified as likely benign based on ACMG/AMP sequence variant interpretation guidelines (Richards et al. 2015 PMID: 25741868, with internal and published modifications).

Blueprint Genetics
Classification: Likely benign. Last evaluated: 2024-10-11. Review status: criteria provided, single submitter. Criteria: ACMG Guidelines, 2015. Collection method: clinical testing. Allele origin: germline.

NM_002016.2(FLG):c.570T>C (p.Asn190=)

Genes: CCDST (cervical cancer associated DHX9 suppressive transcript; plus strand), FLG (filaggrin; minus strand). Cytogenetic location: 1q21.3.
Variant type: single nucleotide variant.
Coding change: c.570T>C on transcript NM_002016.2 (MANE Select); coding-DNA position 570, T replaced by C.
Protein change: p.Asn190=; no amino-acid change (asparagine 190 retained).
Molecular consequence: synonymous variant.
Genome position (GRCh38, 1-based): chr1:152,314,316, A>G on the plus strand (T>C on the coding strand, the complement: FLG is on the minus strand). VCF-style: chr1-152314316-A-G. GRCh37 (hg19) VCF-style: chr1-152286792-A-G.
Identifiers: ClinVar variation 4912399 (VCV004912399.2).